The following is an entry in ClinVar:

NM_001113378.2(FANCI):c.950C>G (p.Thr317Arg)

Gene: FANCI (FA complementation group I; plus strand). Cytogenetic location: 15q26.1.
Variant type: single nucleotide variant.
Coding change: c.950C>G on transcript NM_001113378.2 (MANE Select); coding-DNA position 950, C replaced by G.
Protein change: p.Thr317Arg; replaces threonine 317 with arginine.
Molecular consequence: missense variant.
Genome position (GRCh38, 1-based): chr15:89,273,444, C>G. VCF-style: chr15-89273444-C-G. GRCh37 (hg19) VCF-style: chr15-89816675-C-G.
Other names: c.671C>G, p.Thr224Arg (NM_001376910.1); c.950C>G, p.Thr317Arg (NM_001376911.1, NM_018193.3); short protein forms T317R, T224R.
Identifiers: ClinVar variation 1522952 (VCV001522952.5), dbSNP rs774051668, ClinGen allele CA7722840.

ClinVar aggregate classification (germline): Uncertain significance (1 of 4 stars; one submission).

Conditions:
Fanconi anemia (FA). Also called: Fanconi's anemia. Identifiers: Orphanet 84, MedGen C0015625, MeSH D005199, MONDO:0019391.

Allele frequency attached by ClinVar (database versions not stated): 1000 Genomes Project 30x 0.00016.
gnomAD v4.1: 1 of 1,540,296 alleles (0.000065%); highest among the groups gnomAD compares: African/African-American, 0.0015%; no homozygotes.

Submission:

Labcorp Genetics (formerly Invitae), Labcorp
Classification: Uncertain significance for Fanconi anemia. Last evaluated: 2021-08-11. Review status: criteria provided, single submitter. Criteria: Invitae Variant Classification Sherloc (09022015). Collection method: clinical testing. Allele origin: germline.
Comment: This variant is present in population databases (rs774051668, ExAC 0.01%). This variant has not been reported in the literature in individuals affected with FANCI-related conditions. Algorithms developed to predict the effect of missense changes on protein structure and function are either unavailable or do not agree on the potential impact of this missense change (SIFT: "Deleterious"; PolyPhen-2: "Benign"; Align-GVGD: "Class C0"). Algorithms developed to predict the effect of sequence changes on RNA splicing suggest that this variant may create or strengthen a splice site. In summary, the available evidence is currently insufficient to determine the role of this variant in disease. Therefore, it has been classified as a Variant of Uncertain Significance. This sequence change replaces threonine with arginine at codon 317 of the FANCI protein (p.Thr317Arg). The threonine residue is moderately conserved and there is a moderate physicochemical difference between threonine and arginine.